The following is an entry in ClinVar:

ClinVar aggregate classification (germline): Uncertain significance (1 of 4 stars; one submission).

Conditions:
Congenital myasthenic syndrome 12 (CMS12). Also called: Myasthenia, congenital, 12, with tubular aggregates; MYASTHENIC SYNDROME, CONGENITAL, WITH TUBULAR AGGREGATES 1. Identifiers: Orphanet 353327, Orphanet 590, MedGen C3552335, MONDO:0012518, OMIM 610542.

Submission:

Labcorp Genetics (formerly Invitae), Labcorp
Classification: Uncertain significance for Congenital myasthenic syndrome 12. Last evaluated: 2022-06-04. Review status: criteria provided, single submitter. Criteria: Invitae Variant Classification Sherloc (09022015). Collection method: clinical testing. Allele origin: germline.
Comment: In summary, the available evidence is currently insufficient to determine the role of this variant in disease. Therefore, it has been classified as a Variant of Uncertain Significance. Algorithms developed to predict the effect of missense changes on protein structure and function are either unavailable or do not agree on the potential impact of this missense change (SIFT: "Deleterious"; PolyPhen-2: "Probably Damaging"; Align-GVGD: "Class C0"). ClinVar contains an entry for this variant (Variation ID: 645038). This variant has not been reported in the literature in individuals affected with GFPT1-related conditions. This variant is not present in population databases (gnomAD no frequency). This sequence change replaces proline, which is neutral and non-polar, with histidine, which is basic and polar, at codon 102 of the GFPT1 protein (p.Pro102His).

NM_001244710.2(GFPT1):c.305C>A (p.Pro102His)

Gene: GFPT1 (glutamine--fructose-6-phosphate transaminase 1; minus strand). Cytogenetic location: 2p13.3.
Variant type: single nucleotide variant.
Coding change: c.305C>A on transcript NM_001244710.2 (MANE Select); coding-DNA position 305, C replaced by A.
Protein change: p.Pro102His; replaces proline 102 with histidine.
Molecular consequence: missense variant.
Genome position (GRCh38, 1-based): chr2:69,363,589, G>T on the plus strand (C>A on the coding strand, the complement: GFPT1 is on the minus strand). VCF-style: chr2-69363589-G-T. GRCh37 (hg19) VCF-style: chr2-69590721-G-T.
Other names: c.305C>A, p.Pro102His (NM_002056.4); short protein forms P102H.
Identifiers: ClinVar variation 645038 (VCV000645038.8), dbSNP rs1574074621, ClinGen allele CA347133474.